The following is an entry in ClinVar:

NM_004415.4(DSP):c.6185A>G (p.His2062Arg)

Gene: DSP (desmoplakin; plus strand). Cytogenetic location: 6p24.3.
Variant type: single nucleotide variant.
Coding change: c.6185A>G on transcript NM_004415.4 (MANE Select); coding-DNA position 6185, A replaced by G.
Protein change: p.His2062Arg; replaces histidine 2062 with arginine.
Molecular consequence: missense variant.
Genome position (GRCh38, 1-based): chr6:7,583,447, A>G. VCF-style: chr6-7583447-A-G. GRCh37 (hg19) VCF-style: chr6-7583680-A-G.
Other names: c.4388A>G, p.His1463Arg (NM_001008844.3); c.4856A>G, p.His1619Arg (NM_001319034.2); c.6185A>G (LRG_423t1); short protein forms H2062R, H1619R, H1463R.
Identifiers: ClinVar variation 180334 (VCV000180334.5), dbSNP rs730880086, ClinGen allele CA006748.
Genomic context (GRCh38, chr6:7,583,447, plus strand): 5'-CAGAATCCACAGTCATGCTTCTGGAGGCCCAGGCAGCTACAGGTGGTATAATTGATCCCC[A>G]TCGGAATGAGAAGCTGACTGTCGACAGTGCCATAGCTCGGGACCTCATTGACTTCGATGA-3'
Protein context (NP_004406.2, residues 2052-2072): QAATGGIIDP[His2062Arg]RNEKLTVDSA

ClinVar aggregate classification (germline): Uncertain significance. Review status: criteria provided, multiple submitters, no conflicts (2 of 4 stars). 4 submissions from 4 submitters: Uncertain significance (4). Last evaluated 2024-08-22.

Conditions:
Cardiomyopathy, dilated, with wooly hair, keratoderma, and tooth agenesis. Also called: Cardiomyopathy, dilated, with woolly hair, keratoderma, and tooth agenesis; Erythrokeratodermia-cardiomyopathy syndrome. Identifiers: Orphanet 476096, Orphanet 65282, MedGen C4014393, MONDO:0014355, OMIM 615821.
Arrhythmogenic cardiomyopathy with wooly hair and keratoderma. Also called: Dilated cardiomyopathy with woolly hair and keratoderma; PALMOPLANTAR KERATODERMA WITH LEFT VENTRICULAR CARDIOMYOPATHY AND WOOLLY HAIR; Carvajal syndrome; Arrhythmogenic cardiomyopathy with woolly hair and keratoderma. Identifiers: Orphanet 65282, MedGen C1854063, MONDO:0011581, OMIM 605676.
Arrhythmogenic right ventricular dysplasia 8 (ARVD8). Also called: Arrhythmogenic Right Ventricular Dysplasia/Cardiomyopathy 8; ARRHYTHMOGENIC RIGHT VENTRICULAR DYSPLASIA, FAMILIAL, 8; ARRHYTHMOGENIC RIGHT VENTRICULAR CARDIOMYOPATHY 8. Identifiers: MedGen C1843896, MONDO:0011831, OMIM 607450.

gnomAD v4.1: 5 of 1,614,156 alleles (0.00031%); highest among the groups gnomAD compares: Non-Finnish European, 0.00042%; no homozygotes.

Submissions (4):

Labcorp Genetics (formerly Invitae), Labcorp
Classification: Uncertain significance for Arrhythmogenic cardiomyopathy with wooly hair and keratoderma; Arrhythmogenic right ventricular dysplasia 8. Last evaluated: 2024-08-22. Review status: criteria provided, single submitter. Criteria: Invitae Variant Classification Sherloc (09022015). Collection method: clinical testing. Allele origin: germline.
Comment: This sequence change replaces histidine, which is basic and polar, with arginine, which is basic and polar, at codon 2062 of the DSP protein (p.His2062Arg). This variant is not present in population databases (gnomAD no frequency). This missense change has been observed in individual(s) with dilated cardiomyopathy (PMID: 28416588). ClinVar contains an entry for this variant (Variation ID: 180334). An algorithm developed to predict the effect of missense changes on protein structure and function (PolyPhen-2) suggests that this variant is likely to be disruptive. In summary, the available evidence is currently insufficient to determine the role of this variant in disease. Therefore, it has been classified as a Variant of Uncertain Significance.

GeneDx
Classification: Uncertain significance. Last evaluated: 2024-01-18. Review status: criteria provided, single submitter. Criteria: GeneDx Variant Classification Process June 2021. Collection method: clinical testing. Allele origin: germline. Affected: yes.
Comment: Not observed at significant frequency in large population cohorts (gnomAD); In silico analysis supports that this missense variant does not alter protein structure/function; This variant is associated with the following publications: (PMID: 28416588)

All of Us Research Program, National Institutes of Health
Classification: Uncertain significance for Arrhythmogenic cardiomyopathy with wooly hair and keratoderma. Last evaluated: 2023-04-03. Review status: criteria provided, single submitter. Criteria: ACMG Guidelines, 2015. Collection method: clinical testing. Allele origin: germline. Inheritance: Autosomal dominant inheritance. Observed: 1 variant allele, 1 heterozygote.
Comment: This missense variant replaces histidine with arginine at codon 2062 of the DSP protein. Computational prediction suggests that this variant may not impact protein structure and function (internally defined REVEL score threshold <= 0.5, PMID: 27666373). To our knowledge, functional studies have not been reported for this variant. This variant has not been reported in individuals affected with DSP-related disorders in the literature. This variant has not been identified in the general population by the Genome Aggregation Database (gnomAD). The available evidence is insufficient to determine the role of this variant in disease conclusively. Therefore, this variant is classified as a Variant of Uncertain Significance.

This study involves interpretation of variants in research participants for the purpose of population health screening. Participant phenotype was not available at the time of variant classification. Additional details can be found in publication PMID: 35346344, PMCID: PMC8962531

Victorian Clinical Genetics Services, Murdoch Childrens Research Institute
Classification: Uncertain significance for Cardiomyopathy, dilated, with wooly hair, keratoderma, and tooth agenesis. Last evaluated: 2021-05-06. Review status: criteria provided, single submitter. Criteria: ACMG Guidelines, 2015. Collection method: clinical testing. Allele origin: germline. Inheritance: Autosomal dominant inheritance. Affected: yes.
Comment: Based on the classification scheme VCGS_Germline_v1.3.4, this variant is classified as VUS-3B. Following criteria are met: 0102 - Loss of function is a known mechanism of disease in this gene and is associated with ARVC (MIM#607450) and other DSP-related cardiac disorders. (I) 0108 - This gene is associated with both recessive and dominant disease. Variants in this gene are usually inherited in a dominant manner, however rare reports of recessive inheritance have resulted in a more severe cardiac phenotype (OMIM). (I) 0112 - The condition associated with this gene has incomplete penetrance (PMID: 29062697). (I) 0115 - Variants in this gene are known to have variable expressivity (PMID: 29062697). (I) 0200 - Variant is predicted to result in a missense amino acid change from histidine to arginine. (I) 0251 - This variant is heterozygous. (I) 0301 - Variant is absent from gnomAD (both v2 and v3). (SP) 0309 - An alternative amino acid change at the same position has been observed in gnomAD (v3) (1 heterozygote, 0 homozygotes). (I) 0503 - Missense variant consistently predicted to be tolerated by multiple in silico tools or not conserved in placental mammals with a minor amino acid change. (SB) 0600 - Variant is located in the annotated plectin repeat (NCBI, DECIPHER). (I) 0705 - No comparable missense variants have previous evidence for pathogenicity. (I) 0809 - Previous evidence of pathogenicity for this variant is inconclusive. This variant has been reported as VUS in ClinVar and as a possibly pathogenic rare variant in an individual with dilated cardiomyopathy (PMID: 28416588). (I) 0905 - No published segregation evidence has been identified for this variant. (I) 1007 - No published functional evidence has been identified for this variant. (I) 1208 - Inheritance information for this variant is not currently available in this individual. (I) Legend: (SP) - Supporting pathogenic, (I) - Information, (SB) - Supporting benign

Literature cited by the submitters: PubMed 28416588 (cited by Labcorp Genetics (formerly Invitae), Labcorp and Victorian Clinical Genetics Services, Murdoch Childrens Research Institute); PubMed 29062697 (cited by Victorian Clinical Genetics Services, Murdoch Childrens Research Institute).